The following is an entry in ClinVar:

ClinVar aggregate classification (germline): Uncertain significance (1 of 4 stars; one submission).

Conditions:
Neuronal ceroid lipofuscinosis 5 (CLN5). Also called: CLN5-Related Neuronal Ceroid-Lipofuscinosis; CEROID LIPOFUSCINOSIS, NEURONAL, 5, VARIABLE AGE AT ONSET; Neuronal ceroid lipofuscinosis Finnish variant; NEURONAL CEROID LIPOFUSCINOSIS, LATE INFANTILE, FINNISH VARIANT. Identifiers: Orphanet 168491, Orphanet 228360, MedGen C1850442, MONDO:0009745, OMIM 256731.

Submission:

Baylor Genetics
Classification: Uncertain significance for Neuronal ceroid lipofuscinosis 5. Last evaluated: 2024-12-02. Review status: criteria provided, single submitter. Criteria: ACMG Guidelines, 2015. Collection method: clinical testing. Allele origin: unknown.
Comment: This nonsense variant p.Glu12Ter occurs before p.Met13 of NM_006493.4. It is uncertain if p.Met13 may be used for translation initiation. There is no evidence of pathogenicity before p.Met13. Therefore, p.Glu12Ter is a variant of uncertain significance.

NM_006493.4(CLN5):c.34G>T (p.Glu12Ter)

Genes: CLN5 (CLN5 lysosomal BMP synthase; plus strand), LOC130009913 (ATAC-STARR-seq lymphoblastoid silent region 5414; plus strand). Cytogenetic location: 13q22.3.
Variant type: single nucleotide variant.
Coding change: c.34G>T on transcript NM_006493.4 (MANE Select); coding-DNA position 34, G replaced by T.
Protein change: p.Glu12Ter; replaces glutamic acid 12 with a stop codon.
Molecular consequence: nonsense.
Genome position (GRCh38, 1-based): chr13:76,992,132, G>T. VCF-style: chr13-76992132-G-T. GRCh37 (hg19) VCF-style: chr13-77566267-G-T.
Other names: c.34G>T, p.Glu12Ter (NM_001366624.2); short protein forms E12*, E61*.
Identifiers: ClinVar variation 2680834 (VCV002680834.2), dbSNP rs2501124011, ClinGen allele CA388306327.